The following is an entry in ClinVar:

ClinVar aggregate classification (germline): Uncertain significance (1 of 4 stars; one submission).

Conditions:
Cataract 14 multiple types. Also called: CATARACT 14, ZONULAR PULVERULENT; CATARACT 14, NUCLEAR PULVERULENT; CATARACT 14, NUCLEAR PULVERULENT AND POSTERIOR POLAR; CATARACT 14, NUCLEAR CORALLIFORM; CATARACT 14, EMBRYONAL NUCLEAR; CATARACT 14, COPPOCK-LIKE. Identifiers: Orphanet 91492, MedGen C1866078, MONDO:0011162, OMIM 601885.

Submission:

Dept. Genetics and Cancer, Menzies Institute for Medical Research, University of Tasmania
Classification: Uncertain significance for Cataract 14 multiple types. Last evaluated: 2023-01-21. Review status: criteria provided, single submitter. Criteria: ACMG Guidelines, 2015. Collection method: curation. Allele origin: germline. Affected: yes.
Comment: Variant identified and curated during a GJA3 specific review of the literature in relation to pediatric or congenital cataract. ACMG-AMP criteria applied: PM2(Supporting), PM5(Supporting), PP3. Original variant report: PMID:25635993. The cataract phenotype reported for this variant is: Nuclear. Gene review and curation guidelines are outlined in: DOI 10.1080/17469899.2023.2160320

Literature cited by the submitters: PubMed 25635993.

NM_021954.4(GJA3):c.428G>A (p.Gly143Glu)

Gene: GJA3 (gap junction protein alpha 3; minus strand). Cytogenetic location: 13q12.11.
Variant type: single nucleotide variant.
Coding change: c.428G>A on transcript NM_021954.4 (MANE Select); coding-DNA position 428, G replaced by A.
Protein change: p.Gly143Glu; replaces glycine 143 with glutamic acid.
Molecular consequence: missense variant.
Genome position (GRCh38, 1-based): chr13:20,142,861, C>T on the plus strand (G>A on the coding strand, the complement: GJA3 is on the minus strand). VCF-style: chr13-20142861-C-T. GRCh37 (hg19) VCF-style: chr13-20717000-C-T.
Other names: short protein forms G143E.
Identifiers: ClinVar variation 3253690 (VCV003253690.1), dbSNP rs2500172338.